The following is an entry in ClinVar:

NM_181672.3(OGT):c.2636C>T (p.Pro879Leu)

Gene: OGT (O-linked N-acetylglucosamine (GlcNAc) transferase; plus strand). Cytogenetic location: Xq13.1.
Variant type: single nucleotide variant.
Coding change: c.2636C>T on transcript NM_181672.3 (MANE Select); coding-DNA position 2636, C replaced by T.
Protein change: p.Pro879Leu; replaces proline 879 with leucine.
Molecular consequence: missense variant.
Genome position (GRCh38, 1-based): chrX:71,567,546, C>T. VCF-style: chrX-71567546-C-T. GRCh37 (hg19) VCF-style: chrX-70787396-C-T.
Other names: c.2606C>T, p.Pro869Leu (NM_181673.3); short protein forms P869L, P879L.
Identifiers: ClinVar variation 932133 (VCV000932133.3), dbSNP rs2040424398, ClinGen allele CA413570482.

ClinVar aggregate classification (germline): Uncertain significance (1 of 4 stars; one submission).

Conditions:
Intellectual developmental disorder, X-linked 106. Also called: Intellectual disability, X-linked 106; Mental retardation, X-linked 106. Identifiers: MedGen C4478379, MONDO:0030907, OMIM 300997.

Submission:

Centre for Mendelian Genomics, University Medical Centre Ljubljana
Classification: Uncertain significance for Intellectual developmental disorder, X-linked 106. Last evaluated: 2019-07-09. Review status: criteria provided, single submitter. Criteria: ACMG Guidelines, 2015. Collection method: clinical testing. Allele origin: unknown. Affected: yes.
Comment: This variant was classified as: Uncertain significance. The available evidence on this variant's pathogenicity is insufficient or conflicting. The following ACMG criteria were applied in classifying this variant: PM2,PP3. This variant was detected in hemizygous state.